The following is an entry in ClinVar:

ClinVar aggregate classification (germline): Likely pathogenic (1 of 4 stars; one submission).

Submission:

Labcorp Genetics (formerly Invitae), Labcorp
Classification: Likely pathogenic. Last evaluated: 2023-07-17. Review status: criteria provided, single submitter. Criteria: Invitae Variant Classification Sherloc (09022015). Collection method: clinical testing. Allele origin: germline.
Comment: In summary, the currently available evidence indicates that the variant is pathogenic, but additional data are needed to prove that conclusively. Therefore, this variant has been classified as Likely Pathogenic. Algorithms developed to predict the effect of sequence changes on RNA splicing suggest that this variant may disrupt the consensus splice site. ClinVar contains an entry for this variant (Variation ID: 2155121). This variant has not been reported in the literature in individuals affected with ASAH1-related conditions. This variant is not present in population databases (gnomAD no frequency). This sequence change affects a donor splice site in intron 9 of the ASAH1 gene. It is expected to disrupt RNA splicing. Variants that disrupt the donor or acceptor splice site typically lead to a loss of protein function (PMID: 16199547), and loss-of-function variants in ASAH1 are known to be pathogenic (PMID: 24164096, 24355074).

Literature cited by the submitters: PubMed 16199547; PubMed 24164096; PubMed 24355074.

NM_177924.5(ASAH1):c.703+1G>A

Gene: ASAH1 (N-acylsphingosine amidohydrolase 1; minus strand). Cytogenetic location: 8p22.
Variant type: single nucleotide variant.
Coding change: c.703+1G>A on transcript NM_177924.5 (MANE Select); the canonical splice donor site of the intron after coding-DNA position 703, G replaced by A.
Molecular consequence: splice donor variant.
Genome position (GRCh38, 1-based): chr8:18,061,685, C>T on the plus strand (G>A on the coding strand, the complement: ASAH1 is on the minus strand). VCF-style: chr8-18061685-C-T. GRCh37 (hg19) VCF-style: chr8-17919194-C-T.
Other names: c.751+1G>A (NM_004315.6); c.685+1G>A (NM_001127505.3); c.508+1G>A (NM_001363743.2).
Identifiers: ClinVar variation 2155121 (VCV002155121.4), dbSNP rs1226438110, ClinGen allele CA370429553.